The following is an entry in ClinVar:

ClinVar aggregate classification (germline): Uncertain significance (1 of 4 stars; one submission).

Allele frequency attached by ClinVar (database versions not stated): TOPMed 0.00001; ExAC 0.00002; gnomAD exomes 0.00002 and 0.00004; gnomAD 0.00003; ESP Exome Variant Server 0.00008.
gnomAD v4.1: 64 of 1,613,968 alleles (0.004%); highest among the groups gnomAD compares: Non-Finnish European, 0.0052%; no homozygotes.

Submission:

Labcorp Genetics (formerly Invitae), Labcorp
Classification: Uncertain significance. Last evaluated: 2021-11-18. Review status: criteria provided, single submitter. Criteria: Invitae Variant Classification Sherloc (09022015). Collection method: clinical testing. Allele origin: germline.
Comment: This sequence change replaces serine, which is neutral and polar, with arginine, which is basic and polar, at codon 2131 of the CAD protein (p.Ser2131Arg). This variant is present in population databases (rs372005649, gnomAD 0.004%). This variant has not been reported in the literature in individuals affected with CAD-related conditions. Algorithms developed to predict the effect of missense changes on protein structure and function (SIFT, PolyPhen-2, Align-GVGD) all suggest that this variant is likely to be tolerated. In summary, the available evidence is currently insufficient to determine the role of this variant in disease. Therefore, it has been classified as a Variant of Uncertain Significance.

NM_004341.5(CAD):c.6393C>G (p.Ser2131Arg)

Genes: CAD (carbamoyl-phosphate synthetase 2, aspartate transcarbamylase, and dihydroorotase; plus strand), LOC126806172 (CDK7 strongly-dependent group 2 enhancer GRCh37_chr2:27465505-27466704; plus strand). Cytogenetic location: 2p23.3.
Variant type: single nucleotide variant.
Coding change: c.6393C>G on transcript NM_004341.5 (MANE Select); coding-DNA position 6393, C replaced by G.
Protein change: p.Ser2131Arg; replaces serine 2131 with arginine.
Molecular consequence: missense variant.
Genome position (GRCh38, 1-based): chr2:27,242,886, C>G. VCF-style: chr2-27242886-C-G. GRCh37 (hg19) VCF-style: chr2-27465754-C-G.
Other names: c.6204C>G, p.Ser2068Arg (NM_001306079.2); short protein forms S2131R, S2068R.
Identifiers: ClinVar variation 1489694 (VCV001489694.3), dbSNP rs372005649, ClinGen allele CA1574203.